The following is an entry in ClinVar:

ClinVar aggregate classification (germline): Uncertain significance (1 of 4 stars; one submission).

Submission:

Labcorp Genetics (formerly Invitae), Labcorp
Classification: Uncertain significance. Last evaluated: 2024-10-16. Review status: criteria provided, single submitter. Criteria: Invitae Variant Classification Sherloc (09022015). Collection method: clinical testing. Allele origin: germline.
Comment: This sequence change replaces glutamine, which is neutral and polar, with glutamic acid, which is acidic and polar, at codon 349 of the GSN protein (p.Gln349Glu). This variant is not present in population databases (gnomAD no frequency). This variant has not been reported in the literature in individuals affected with GSN-related conditions. ClinVar contains an entry for this variant (Variation ID: 1985802). Invitae Evidence Modeling of protein sequence and biophysical properties (such as structural, functional, and spatial information, amino acid conservation, physicochemical variation, residue mobility, and thermodynamic stability) indicates that this missense variant is not expected to disrupt GSN protein function with a negative predictive value of 80%. In summary, the available evidence is currently insufficient to determine the role of this variant in disease. Therefore, it has been classified as a Variant of Uncertain Significance.

NM_198252.3(GSN):c.892C>G (p.Gln298Glu)

Gene: GSN (gelsolin; plus strand). Cytogenetic location: 9q33.2.
Variant type: single nucleotide variant.
Coding change: c.892C>G on transcript NM_198252.3 (MANE Select); coding-DNA position 892, C replaced by G.
Protein change: p.Gln298Glu; replaces glutamine 298 with glutamic acid.
Molecular consequence: missense variant.
Genome position (GRCh38, 1-based): chr9:121,318,411, C>G. VCF-style: chr9-121318411-C-G. GRCh37 (hg19) VCF-style: chr9-124080689-C-G.
Other names: c.925C>G, p.Gln309Glu (NM_001127667.2, NM_001127666.2, NM_001353063.2 and 13 more transcripts); c.943C>G, p.Gln315Glu (NM_001258029.2); c.892C>G, p.Gln298Glu (NM_001353056.2, NM_001353057.2, NM_001353058.2 and 10 more transcripts); c.916C>G, p.Gln306Glu (NM_001258030.2); c.1045C>G, p.Gln349Glu (NM_000177.5); c.1000C>G, p.Gln334Glu (NM_001127663.2); c.964C>G, p.Gln322Glu (NM_001353076.2); c.238C>G, p.Gln80Glu (NM_001353078.2); short protein forms Q309E, Q349E, Q80E, Q298E, Q306E, Q315E, Q322E, Q334E.
Identifiers: ClinVar variation 1985802 (VCV001985802.4), dbSNP rs2540961163, ClinGen allele CA374745361.